The following is an entry in ClinVar:

ClinVar aggregate classification (germline): Likely pathogenic. Review status: criteria provided, multiple submitters, no conflicts (2 of 4 stars). 4 submissions from 4 submitters: Likely pathogenic (4). Last evaluated 2025-08-18.

Conditions:
3-methylcrotonyl-CoA carboxylase 1 deficiency (MCC1D). Also called: MCCD TYPE 1; METHYLCROTONYLGLYCINURIA TYPE I; MCC 1 deficiency; 3 Alpha methylcrotonylglycinuria 1. Identifiers: Orphanet 6, MedGen CN028786, MONDO:0008861, OMIM 210200.

gnomAD v4.1: 1 of 1,612,580 alleles (0.000062%); no homozygotes.

Submissions (4):

Natera, Inc.
Classification: Likely pathogenic for 3-methylcrotonyl-CoA carboxylase 1 deficiency. Last evaluated: 2025-08-18. Review status: criteria provided, single submitter. Criteria: Natera Variant Classification Schema (03/2026). Collection method: clinical testing. Allele origin: germline.
Comment: The c.1682-1G>A variant in MCCC1 is a canonical splice acceptor site variant predicted to affect pre-mRNA splicing, which may result in an abnormal transcript and altered protein product. This variant is expected to result in nonsense mediated decay, truncation, or a dysfunctional protein product. This variant is rare in the general population with a frequency below the threshold expected for the associated phenotype(s). Given the available evidence, this variant is classified as Likely Pathogenic.

Genomic Medicine Center of Excellence, King Faisal Specialist Hospital and Research Centre
Classification: Likely pathogenic for 3-methylcrotonyl-CoA carboxylase 1 deficiency. Last evaluated: 2024-04-04. Review status: criteria provided, single submitter. Criteria: ACMG Guidelines, 2015. Collection method: clinical testing. Allele origin: germline.

Baylor Genetics
Classification: Likely pathogenic for 3-methylcrotonyl-CoA carboxylase 1 deficiency. Last evaluated: 2023-09-18. Review status: criteria provided, single submitter. Criteria: ACMG Guidelines, 2015. Collection method: clinical testing. Allele origin: unknown.

Department of Pathology and Laboratory Medicine, Sinai Health System
Classification: Likely pathogenic for 3-methylcrotonyl-CoA carboxylase 1 deficiency. Last evaluated: 2023-05-09. Review status: criteria provided, single submitter. Criteria: ACMG Guidelines, 2015. Collection method: research. Allele origin: germline.

NM_020166.5(MCCC1):c.1682-1G>A

Gene: MCCC1 (methylcrotonyl-CoA carboxylase subunit 1; minus strand). Cytogenetic location: 3q27.1.
Variant type: single nucleotide variant.
Coding change: c.1682-1G>A on transcript NM_020166.5 (MANE Select); the canonical splice acceptor site of the intron before coding-DNA position 1682, G replaced by A.
Molecular consequence: splice acceptor variant.
Genome position (GRCh38, 1-based): chr3:183,025,805, C>T on the plus strand (G>A on the coding strand, the complement: MCCC1 is on the minus strand). VCF-style: chr3-183025805-C-T. GRCh37 (hg19) VCF-style: chr3-182743593-C-T.
Other names: c.1682-1G>A (NM_020166.4); c.1355-1G>A (NM_001363880.1); c.1331-1G>A (NM_001293273.2).
Identifiers: ClinVar variation 2676449 (VCV002676449.4), dbSNP rs1279522271, ClinGen allele CA355317686.